The following is an entry in ClinVar:

ClinVar aggregate classification (germline): Uncertain significance (1 of 4 stars; one submission).

Conditions:
Ciliary dyskinesia, primary, 37 (CILD37). Also called: CILIARY DYSKINESIA, PRIMARY, 37, WITH OR WITHOUT SITUS INVERSUS. Identifiers: MedGen C4539798, MONDO:0033204, OMIM 617577.
Spermatogenic failure 18. Identifiers: MedGen C4539783, MONDO:0054615, OMIM 617576.

gnomAD v4.1: 77 of 1,608,598 alleles (0.0048%); highest among the groups gnomAD compares: South Asian, 0.082%; no homozygotes.

Submission:

Labcorp Genetics (formerly Invitae), Labcorp
Classification: Uncertain significance for Ciliary dyskinesia, primary, 37; Spermatogenic failure 18. Last evaluated: 2026-01-08. Review status: criteria provided, single submitter. Criteria: Invitae Variant Classification Sherloc (09022015). Collection method: clinical testing. Allele origin: germline.
Comment: This sequence change replaces aspartic acid, which is acidic and polar, with glycine, which is neutral and non-polar, at codon 3174 of the DNAH1 protein (p.Asp3174Gly). This variant is present in population databases (rs536360337, gnomAD 0.1%). This variant has not been reported in the literature in individuals affected with DNAH1-related conditions. Invitae Evidence Modeling of protein sequence and biophysical properties (such as structural, functional, and spatial information, amino acid conservation, physicochemical variation, residue mobility, and thermodynamic stability) indicates that this missense variant is not expected to disrupt DNAH1 protein function with a negative predictive value of 80%. In summary, the available evidence is currently insufficient to determine the role of this variant in disease. Therefore, it has been classified as a Variant of Uncertain Significance.

NM_015512.5(DNAH1):c.9521A>G (p.Asp3174Gly)

Gene: DNAH1 (dynein axonemal heavy chain 1; plus strand). Cytogenetic location: 3p21.1.
Variant type: single nucleotide variant.
Coding change: c.9521A>G on transcript NM_015512.5 (MANE Select); coding-DNA position 9521, A replaced by G.
Protein change: p.Asp3174Gly; replaces aspartic acid 3174 with glycine.
Molecular consequence: missense variant.
Genome position (GRCh38, 1-based): chr3:52,389,486, A>G. VCF-style: chr3-52389486-A-G. GRCh37 (hg19) VCF-style: chr3-52423502-A-G.
Other names: short protein forms D3174G.
Identifiers: ClinVar variation 4790049 (VCV004790049.1).
Genomic context (GRCh38, chr3:52,389,486, plus strand): 5'-ATGGTGGGGTGGTCCTGAGTCTGGCATCTCCCCAGGGCCAGTACCGCACGGTGCTCTACG[A>G]CAGCTGGGTCAAGCAGCTCAGGAGCCACAATGTCCCACACACCTCCGAGCCCACGCTAAT-3'
Protein context (NP_056327.4, residues 3164-3184): FTGQYRTVLY[Asp3174Gly]SWVKQLRSHN